The following is an entry in ClinVar:

ClinVar aggregate classification (germline): Uncertain significance (1 of 4 stars; one submission).

Submission:

Dasa
Classification: Uncertain significance. Last evaluated: 2025-07-03. Review status: criteria provided, single submitter. Criteria: DASA Assertion Criteria. Collection method: clinical testing. Allele origin: germline.
Comment: NM_015001.3(SPEN):c.7583A>G (p.Asp2528Gly) is a missense variant that results in the substitution of aspartic acid with glycine. This variant is absent from population databases. Computational prediction algorithms are consistent with a benign effect. The currently available literature and clinical evidence are not sufficient to establish a definitive association between this variant and the reported condition. Therefore, this variant is classified as a variant of uncertain significance.

NM_015001.3(SPEN):c.7583A>G (p.Asp2528Gly)

Gene: SPEN (spen family transcriptional repressor; plus strand). Cytogenetic location: 1p36.13.
Variant type: single nucleotide variant.
Coding change: c.7583A>G on transcript NM_015001.3 (MANE Select); coding-DNA position 7583, A replaced by G.
Protein change: p.Asp2528Gly; replaces aspartic acid 2528 with glycine.
Molecular consequence: missense variant.
Genome position (GRCh38, 1-based): chr1:15,933,823, A>G. VCF-style: chr1-15933823-A-G. GRCh37 (hg19) VCF-style: chr1-16260318-A-G.
Other names: short protein forms D2528G.
Identifiers: ClinVar variation 4881798 (VCV004881798.2).